The following is an entry in ClinVar:

ClinVar aggregate classification (germline): Conflicting classifications of pathogenicity. Review status: criteria provided, conflicting classifications (1 of 4 stars). 14 submissions from 14 submitters: Uncertain significance (1); Benign (6); Likely benign (3). 4 of the submissions do not count toward it. Last evaluated 2026-09-01.

Conditions:
DHCR7-related disorder. Also called: DHCR7-related condition.
Inborn genetic diseases. Identifiers: MedGen C0950123, MeSH D030342.
Smith-Lemli-Opitz syndrome (SLOS). Also called: LETHAL ACRODYSGENITAL SYNDROME; POLYDACTYLY, SEX REVERSAL, RENAL HYPOPLASIA, AND UNILOBAR LUNG; RSH SYNDROME; RUTLEDGE LETHAL MULTIPLE CONGENITAL ANOMALY SYNDROME; 7-Dehydrocholesterol reductase deficiency. Identifiers: Orphanet 818, MedGen C0175694, MONDO:0010035, OMIM 270400.

Allele frequency attached by ClinVar (database versions not stated): gnomAD 0.00031 and 0.00067; ESP Exome Variant Server 0.00038; TOPMed 0.00069; gnomAD exomes 0.00110 and 0.00209; 1000 Genomes Project 0.00180; 1000 Genomes Project 30x 0.00234; ExAC 0.00327.

Submissions (14):

CeGaT Center for Human Genetics Tuebingen
Classification: Benign. Last evaluated: 2026-09-01. Review status: criteria provided, single submitter. Criteria: CeGaT Center For Human Genetics Tuebingen Variant Classification Criteria Version 2. Collection method: clinical testing. Allele origin: germline. Affected: yes. Observed: 15 variant alleles.
Comment: DHCR7: BP4, BP7, BS1, BS2

Labcorp Genetics (formerly Invitae), Labcorp
Classification: Benign for Smith-Lemli-Opitz syndrome. Last evaluated: 2026-02-03. Review status: criteria provided, single submitter. Criteria: Invitae Variant Classification Sherloc (09022015). Collection method: clinical testing. Allele origin: germline.

Blueprint Genetics
Classification: Likely benign. Last evaluated: 2024-11-27. Review status: criteria provided, single submitter. Criteria: ACMG Guidelines, 2015. Collection method: clinical testing. Allele origin: germline.

Women's Health and Genetics/Laboratory Corporation of America, LabCorp
Classification: Likely benign. Last evaluated: 2022-05-14. Review status: criteria provided, single submitter. Criteria: LabCorp Variant Classification Summary - May 2015. Collection method: clinical testing. Allele origin: germline.

Genome-Nilou Lab
Classification: Likely benign for Smith-Lemli-Opitz syndrome. Last evaluated: 2021-05-18. Review status: criteria provided, single submitter. Criteria: ACMG Guidelines, 2015. Collection method: clinical testing. Allele origin: germline. Affected: no.

Genetic Services Laboratory, University of Chicago
Classification: Benign. Last evaluated: 2019-10-28. Review status: criteria provided, single submitter. Criteria: ACMG Guidelines, 2015. Collection method: clinical testing. Allele origin: germline. Affected: no.

GeneDx
Classification: Benign. Last evaluated: 2018-09-07. Review status: criteria provided, single submitter. Criteria: GeneDx Variant Classification Process June 2021. Collection method: clinical testing. Allele origin: germline. Affected: yes.
Comment: This variant is associated with the following publications: (PMID: 15521979)

Illumina Laboratory Services, Illumina
Classification: Uncertain significance for Smith-Lemli-Opitz syndrome. Last evaluated: 2018-01-13. Review status: criteria provided, single submitter. Criteria: ICSL Variant Classification Criteria 13 December 2019. Collection method: clinical testing. Allele origin: germline.

Ambry Genetics
Classification: Benign for Inborn genetic diseases. Last evaluated: 2017-05-01. Review status: criteria provided, single submitter. Criteria: Ambry Variant Classification Scheme 2023. Collection method: clinical testing. Allele origin: germline.

Eurofins Ntd Llc (ga)
Classification: Benign. Last evaluated: 2016-03-01. Review status: criteria provided, single submitter. Criteria: EGL Classification Definitions 2015. Collection method: clinical testing. Allele origin: germline. Observed: 3 variant alleles, 3 heterozygotes.

PreventionGenetics, part of Exact Sciences
Classification: Benign for DHCR7-related condition. Last evaluated: 2019-05-07. Review status: no assertion criteria provided. Collection method: clinical testing. Allele origin: germline. Not counted in ClinVar's aggregate classification.
Comment: This variant is classified as benign based on ACMG/AMP sequence variant interpretation guidelines (Richards et al. 2015 PMID: 25741868, with internal and published modifications).

Natera, Inc.
Classification: Benign for Smith-Lemli-Opitz syndrome. Last evaluated: 2017-05-05. Review status: no assertion criteria provided. Collection method: clinical testing. Allele origin: germline. Not counted in ClinVar's aggregate classification.

Clinical Genetics DNA and cytogenetics Diagnostics Lab, Erasmus MC, Erasmus Medical Center
Classification: Benign. Review status: no assertion criteria provided. Collection method: clinical testing. Allele origin: germline. Affected: yes. Study: VKGL Data-share Consensus. Not counted in ClinVar's aggregate classification.

Genome Diagnostics Laboratory, University Medical Center Utrecht
Classification: Likely benign. Review status: no assertion criteria provided. Collection method: clinical testing. Allele origin: germline. Affected: yes. Study: VKGL Data-share Consensus. Not counted in ClinVar's aggregate classification.

NM_001360.3(DHCR7):c.126C>T (p.Ser42=)

Gene: DHCR7 (7-dehydrocholesterol reductase; minus strand). Cytogenetic location: 11q13.4.
Variant type: single nucleotide variant.
Coding change: c.126C>T on transcript NM_001360.3 (MANE Select); coding-DNA position 126, C replaced by T.
Protein change: p.Ser42=; no amino-acid change (serine 42 retained).
Molecular consequence: synonymous variant.
Genome position (GRCh38, 1-based): chr11:71,444,188, G>A on the plus strand (C>T on the coding strand, the complement: DHCR7 is on the minus strand). VCF-style: chr11-71444188-G-A. GRCh37 (hg19) VCF-style: chr11-71155234-G-A.
Other names: c.126C>T, p.Ser42= (NM_001163817.2).
Identifiers: ClinVar variation 166620 (VCV000166620.61), dbSNP rs150928869, ClinGen allele CA233407.